The following is an entry in ClinVar:

ClinVar aggregate classification (germline): Likely benign (1 of 4 stars; one submission).

Allele frequency attached by ClinVar (database versions not stated): gnomAD exomes below 0.00001.
gnomAD v4.1: 6 of 1,599,422 alleles (0.00038%); highest among the groups gnomAD compares: East Asian, 0.0045%; no homozygotes.

Submission:

CeGaT Center for Human Genetics Tuebingen
Classification: Likely benign. Last evaluated: 2023-08-01. Review status: criteria provided, single submitter. Criteria: CeGaT Center For Human Genetics Tuebingen Variant Classification Criteria Version 2. Collection method: clinical testing. Allele origin: germline. Affected: yes. Observed: 3 variant alleles.
Comment: CTBP2: BP4, BP7

NM_001329.4(CTBP2):c.1017C>T (p.Thr339=)

Gene: CTBP2 (C-terminal binding protein 2; minus strand). Cytogenetic location: 10q26.13.
Variant type: single nucleotide variant.
Coding change: c.1017C>T on transcript NM_001329.4 (MANE Select); coding-DNA position 1017, C replaced by T.
Protein change: p.Thr339=; no amino-acid change (threonine 339 retained).
Molecular consequence: synonymous variant.
Genome position (GRCh38, 1-based): chr10:124,993,224, G>A on the plus strand (C>T on the coding strand, the complement: CTBP2 is on the minus strand). VCF-style: chr10-124993224-G-A. GRCh37 (hg19) VCF-style: chr10-126681793-G-A.
Other names: c.1017C>T, p.Thr339= (NM_001083914.3, NM_001290214.3, NM_001290215.3 and 3 more transcripts); c.1221C>T, p.Thr407= (NM_001363508.2); c.2637C>T, p.Thr879= (NM_022802.3).
Identifiers: ClinVar variation 2640946 (VCV002640946.24), dbSNP rs764582568, ClinGen allele CA5735696.